The following is an entry in ClinVar:

NC_000021.8:g.(?_47655182)_(47684151_?)dup

Gene: MCM3AP (minichromosome maintenance complex component 3 associated protein; minus strand). Cytogenetic location: 21q22.3.
Variant type: Duplication.
Identifiers: ClinVar variation 2424792 (VCV002424792.4).

ClinVar aggregate classification (germline): Uncertain significance (1 of 4 stars; one submission).

Submission:

Labcorp Genetics (formerly Invitae), Labcorp
Classification: Uncertain significance. Last evaluated: 2022-05-21. Review status: criteria provided, single submitter. Criteria: Invitae Variant Classification Sherloc (09022015). Collection method: clinical testing. Allele origin: germline.
Comment: This variant has not been reported in the literature in individuals affected with MCM3AP-related conditions. Experimental studies and prediction algorithms are not available or were not evaluated, and the functional significance of this variant is currently unknown. In summary, the available evidence is currently insufficient to determine the role of this variant in disease. Therefore, it has been classified as a Variant of Uncertain Significance. This variant results in a copy number gain of the genomic region encompassing exon(s) 13-28 of the MCM3AP gene. This region includes the termination codon of the gene. This copy number gain extends beyond the assayed region for this gene and therefore may encompass additional genes. As the precise location of this event is unknown, it may be in tandem or it may be located elsewhere in the genome.